The following is an entry in ClinVar:

ClinVar aggregate classification (germline): Uncertain significance. Review status: criteria provided, multiple submitters, no conflicts (2 of 4 stars). 2 submissions from 2 submitters: Uncertain significance (2). Last evaluated 2026-09-07.

Conditions:
Developmental delay and seizures with or without movement abnormalities. Identifiers: MedGen C4693376, MONDO:0044326, OMIM 617836.

gnomAD v4.1: 1 of 1,613,926 alleles (0.000062%); highest among the groups gnomAD compares: Non-Finnish European, 0.000085%; no homozygotes.

Submissions (2):

Institute of Human Genetics, University of Goettingen
Classification: Uncertain significance for Developmental delay and seizures with or without movement abnormalities. Last evaluated: 2026-09-07. Review status: criteria provided, single submitter. Criteria: ACMG Guidelines, 2015. Collection method: clinical testing. Allele origin: de novo. Inheritance: Autosomal dominant inheritance. Observed: 1 variant allele, 1 heterozygote.
Comment: The NM_205861.3(DHDDS):c.355C>T (p.Arg119Trp) variant causes a missense change; it affects a moderately conserved nucleotide, and a highly conserved amino acid and there is a moderate physicochemical difference between Arg and Trp. The variant allele was found at a cumulative gnomAD v4.1.2 frequency (MAF) of 6.196e-7 (AC=1) in the gnomAD database across 1613926 control chromosomes (no homozygotes observed). It has an uncertain outcome predicted by the silico algorithm REVEL (0.527) and splicing prediction tools (SpliceAI) predict no significant impact on normal splicing. As of yet no clinical diagnostic laboratories have submitted clinical-significance assessments for this variant to ClinVar. The variant was found de novo with confirmed parentage; ACMG criteria used for classification: PS2_SUP, PM2_SUP.

Blueprint Genetics
Classification: Uncertain significance. Last evaluated: 2023-09-29. Review status: criteria provided, single submitter. Criteria: ACMG Guidelines, 2015. Collection method: clinical testing. Allele origin: germline.

NM_205861.3(DHDDS):c.355C>T (p.Arg119Trp)

Gene: DHDDS (dehydrodolichyl diphosphate synthase subunit; plus strand). Cytogenetic location: 1p36.11.
Variant type: single nucleotide variant.
Coding change: c.355C>T on transcript NM_205861.3 (MANE Select); coding-DNA position 355, C replaced by T.
Protein change: p.Arg119Trp; replaces arginine 119 with tryptophan.
Molecular consequence: missense variant. On other transcripts: intron variant (1).
Genome position (GRCh38, 1-based): chr1:26,446,347, C>T. VCF-style: chr1-26446347-C-T. GRCh37 (hg19) VCF-style: chr1-26772838-C-T.
Other names: c.355C>T, p.Arg119Trp (NM_001243564.2, NM_024887.4); c.76C>T, p.Arg26Trp (NM_001319959.2); c.324-1212C>T (NM_001243565.2); short protein forms R119W, R26W.
Identifiers: ClinVar variation 4963242 (VCV004963242.2).